The following is an entry in ClinVar:

ClinVar aggregate classification (germline): Uncertain significance (1 of 4 stars; one submission).

gnomAD v4.1: 1 of 1,614,054 alleles (0.000062%); highest among the groups gnomAD compares: African/African-American, 0.0013%; no homozygotes.

Submission:

GeneDx
Classification: Uncertain significance. Last evaluated: 2023-12-12. Review status: criteria provided, single submitter. Criteria: GeneDx Variant Classification Process June 2021. Collection method: clinical testing. Allele origin: germline. Affected: yes.
Comment: Not observed at significant frequency in large population cohorts (gnomAD); In silico analysis supports that this missense variant has a deleterious effect on protein structure/function; Has not been previously published as pathogenic or benign to our knowledge

NM_020754.4(ARHGAP31):c.4055C>T (p.Pro1352Leu)

Gene: ARHGAP31 (Rho GTPase activating protein 31; plus strand). Cytogenetic location: 3q13.33.
Variant type: single nucleotide variant.
Coding change: c.4055C>T on transcript NM_020754.4 (MANE Select); coding-DNA position 4055, C replaced by T.
Protein change: p.Pro1352Leu; replaces proline 1352 with leucine.
Molecular consequence: missense variant.
Genome position (GRCh38, 1-based): chr3:119,415,984, C>T. VCF-style: chr3-119415984-C-T. GRCh37 (hg19) VCF-style: chr3-119134831-C-T.
Other names: short protein forms P1352L.
Identifiers: ClinVar variation 3365559 (VCV003365559.1).